The following is an entry in ClinVar:

ClinVar aggregate classification (germline): Uncertain significance (1 of 4 stars; one submission).

gnomAD v4.1: 1 of 1,544,060 alleles (0.000065%); highest among the groups gnomAD compares: Non-Finnish European, 0.000088%; no homozygotes.

Submission:

Labcorp Genetics (formerly Invitae), Labcorp
Classification: Uncertain significance. Last evaluated: 2025-04-17. Review status: criteria provided, single submitter. Criteria: Invitae Variant Classification Sherloc (09022015). Collection method: clinical testing. Allele origin: germline.
Comment: This sequence change falls in intron 7 of the LZTR1 gene. It does not directly change the encoded amino acid sequence of the LZTR1 protein. It affects a nucleotide within the consensus splice site. The frequency data for this variant in the population databases is considered unreliable, as metrics indicate poor data quality at this position in the gnomAD database. This variant has not been reported in the literature in individuals affected with LZTR1-related conditions. Variants that disrupt the consensus splice site are a relatively common cause of aberrant splicing (PMID: 17576681, 9536098). Algorithms developed to predict the effect of sequence changes on RNA splicing suggest that this variant may disrupt the consensus splice site. In summary, the available evidence is currently insufficient to determine the role of this variant in disease. Therefore, it has been classified as a Variant of Uncertain Significance.

Literature cited by the submitters: PubMed 17576681; PubMed 9536098.

NM_006767.4(LZTR1):c.651+4A>G

Gene: LZTR1 (leucine zipper like post translational regulator 1; plus strand). Cytogenetic location: 22q11.21.
Variant type: single nucleotide variant.
Coding change: c.651+4A>G on transcript NM_006767.4 (MANE Select); 4 bases into the intron after coding-DNA position 651, A replaced by G.
Molecular consequence: intron variant.
Genome position (GRCh38, 1-based): chr22:20,989,686, A>G. VCF-style: chr22-20989686-A-G. GRCh37 (hg19) VCF-style: chr22-21343975-A-G.
Identifiers: ClinVar variation 4705844 (VCV004705844.1).